The following is an entry in ClinVar:

NM_004239.4(TRIP11):c.5034G>A (p.Met1678Ile)

Gene: TRIP11 (thyroid hormone receptor interactor 11; minus strand). Cytogenetic location: 14q32.12.
Variant type: single nucleotide variant.
Coding change: c.5034G>A on transcript NM_004239.4 (MANE Select); coding-DNA position 5034, G replaced by A.
Protein change: p.Met1678Ile; replaces methionine 1678 with isoleucine.
Molecular consequence: missense variant.
Genome position (GRCh38, 1-based): chr14:91,995,374, C>T on the plus strand (G>A on the coding strand, the complement: TRIP11 is on the minus strand). VCF-style: chr14-91995374-C-T. GRCh37 (hg19) VCF-style: chr14-92461718-C-T.
Other names: c.5031G>A, p.Met1677Ile (NM_001321851.1); c.5034G>A (NM_004239.3); short protein forms M1677I, M1678I.
Identifiers: ClinVar variation 1401151 (VCV001401151.7), dbSNP rs202047412, ClinGen allele CA7313313.

ClinVar aggregate classification (germline): Uncertain significance. Review status: criteria provided, multiple submitters, no conflicts (2 of 4 stars). 2 submissions from 2 submitters: Uncertain significance (2). Last evaluated 2024-04-20.

Conditions:
Achondrogenesis, type IA (ACG1A). Identifiers: Orphanet 932, Orphanet 93299, MedGen C0265273, MONDO:0008701, OMIM 200600.
Inborn genetic diseases. Identifiers: MedGen C0950123, MeSH D030342.

Allele frequency attached by ClinVar (database versions not stated): gnomAD 0.00001; ExAC 0.00002; gnomAD exomes 0.00002 and 0.00003; TOPMed 0.00002.

Submissions (2):

Ambry Genetics
Classification: Uncertain significance for Inborn genetic diseases. Last evaluated: 2024-04-20. Review status: criteria provided, single submitter. Criteria: Ambry Variant Classification Scheme 2023. Collection method: clinical testing. Allele origin: germline.

Labcorp Genetics (formerly Invitae), Labcorp
Classification: Uncertain significance for Achondrogenesis, type IA. Last evaluated: 2022-06-20. Review status: criteria provided, single submitter. Criteria: Invitae Variant Classification Sherloc (09022015). Collection method: clinical testing. Allele origin: germline.
Comment: In summary, the available evidence is currently insufficient to determine the role of this variant in disease. Therefore, it has been classified as a Variant of Uncertain Significance. Algorithms developed to predict the effect of missense changes on protein structure and function are either unavailable or do not agree on the potential impact of this missense change (SIFT: "Not Available"; PolyPhen-2: "Benign"; Align-GVGD: "Not Available"). This variant has not been reported in the literature in individuals affected with TRIP11-related conditions. This variant is present in population databases (rs202047412, gnomAD 0.006%). This sequence change replaces methionine with isoleucine at codon 1678 of the TRIP11 protein (p.Met1678Ile). The methionine residue is moderately conserved and there is a small physicochemical difference between methionine and isoleucine.